The following is an entry in ClinVar:

NM_015122.3(FCHO1):c.1586C>T (p.Ser529Leu)

Gene: FCHO1 (FCH and mu domain containing endocytic adaptor 1; plus strand). Cytogenetic location: 19p13.11.
Variant type: single nucleotide variant.
Coding change: c.1586C>T on transcript NM_015122.3 (MANE Select); coding-DNA position 1586, C replaced by T.
Protein change: p.Ser529Leu; replaces serine 529 with leucine.
Molecular consequence: missense variant. On other transcripts: non-coding transcript variant (14), intron variant (11).
Genome position (GRCh38, 1-based): chr19:17,778,843, C>T. VCF-style: chr19-17778843-C-T. GRCh37 (hg19) VCF-style: chr19-17889652-C-T.
Other names: c.1586C>T, p.Ser529Leu (NM_001384373.1, NM_001384374.1, NM_001384387.1 and 13 more transcripts); c.1436C>T, p.Ser479Leu (NM_001384385.1, NM_001384386.1, NM_001384384.1 and 1 more transcripts); c.1547C>T, p.Ser516Leu (NM_001384388.1, NM_001384389.1, NM_001384405.1); c.1511C>T, p.Ser504Leu (NM_001384390.1); c.1469C>T, p.Ser490Leu (NM_001384392.1, NM_001384393.1, NM_001384394.1 and 1 more transcripts); c.1351+615C>T (NM_001384396.1, NM_001384404.1, NM_001384398.1 and 5 more transcripts); c.1201+615C>T (NM_001384406.1); c.1058-2388C>T (NM_001384407.1); and 1 more; short protein forms S479L, S490L, S529L, S504L, S516L.
Identifiers: ClinVar variation 1945527 (VCV001945527.3), dbSNP rs74180841, ClinGen allele CA404754041.

ClinVar aggregate classification (germline): Uncertain significance (1 of 4 stars; one submission).

Allele frequency attached by ClinVar (database versions not stated): TOPMed below 0.00001.
gnomAD v4.1: 5 of 1,563,796 alleles (0.00032%); highest among the groups gnomAD compares: Middle Eastern, 0.023%; 1 homozygote.

Submission:

Labcorp Genetics (formerly Invitae), Labcorp
Classification: Uncertain significance. Last evaluated: 2022-06-09. Review status: criteria provided, single submitter. Criteria: Invitae Variant Classification Sherloc (09022015). Collection method: clinical testing. Allele origin: germline.
Comment: In summary, the available evidence is currently insufficient to determine the role of this variant in disease. Therefore, it has been classified as a Variant of Uncertain Significance. Algorithms developed to predict the effect of missense changes on protein structure and function (SIFT, PolyPhen-2, Align-GVGD) all suggest that this variant is likely to be tolerated. This variant has not been reported in the literature in individuals affected with FCHO1-related conditions. The frequency data for this variant in the population databases is considered unreliable, as metrics indicate poor data quality at this position in the gnomAD database. This sequence change replaces serine, which is neutral and polar, with leucine, which is neutral and non-polar, at codon 529 of the FCHO1 protein (p.Ser529Leu).